The following is an entry in ClinVar:

NM_138295.5(PKD1L1):c.691C>A (p.Arg231=)

Gene: PKD1L1 (polycystin 1 like 1, transient receptor potential channel interacting; minus strand). Cytogenetic location: 7p12.3.
Variant type: single nucleotide variant.
Coding change: c.691C>A on transcript NM_138295.5 (MANE Select); coding-DNA position 691, C replaced by A.
Protein change: p.Arg231=; no amino-acid change (arginine 231 retained).
Molecular consequence: synonymous variant.
Genome position (GRCh38, 1-based): chr7:47,931,150, G>T on the plus strand (C>A on the coding strand, the complement: PKD1L1 is on the minus strand). VCF-style: chr7-47931150-G-T. GRCh37 (hg19) VCF-style: chr7-47970747-G-T.
Identifiers: ClinVar variation 4874805 (VCV004874805.2).

ClinVar aggregate classification (germline): Likely benign (1 of 4 stars; one submission).

gnomAD v4.1: 1 of 1,614,078 alleles (0.000062%); highest among the groups gnomAD compares: Non-Finnish European, 0.000085%; no homozygotes.

Submission:

CeGaT Center for Human Genetics Tuebingen
Classification: Likely benign. Last evaluated: 2026-04-01. Review status: criteria provided, single submitter. Criteria: CeGaT Center For Human Genetics Tuebingen Variant Classification Criteria Version 2. Collection method: clinical testing. Allele origin: germline. Affected: yes. Observed: 1 variant allele.
Comment: PKD1L1: BP4, BP7